The following is an entry in ClinVar:

ClinVar aggregate classification (germline): Uncertain significance (1 of 4 stars; one submission).

Conditions:
Amyotrophic lateral sclerosis type 15. Also called: AMYOTROPHIC LATERAL SCLEROSIS 15 WITH FRONTOTEMPORAL DEMENTIA. Identifiers: Orphanet 803, MedGen C3275459, MONDO:0010459, OMIM 300857.

Submission:

Labcorp Genetics (formerly Invitae), Labcorp
Classification: Uncertain significance for Amyotrophic lateral sclerosis type 15. Last evaluated: 2023-11-22. Review status: criteria provided, single submitter. Criteria: Invitae Variant Classification Sherloc (09022015). Collection method: clinical testing. Allele origin: germline.
Comment: This sequence change affects codon 60 of the UBQLN2 mRNA. It is a 'silent' change, meaning that it does not change the encoded amino acid sequence of the UBQLN2 protein. This variant is not present in population databases (gnomAD no frequency). This variant has not been reported in the literature in individuals affected with UBQLN2-related conditions. In summary, the available evidence is currently insufficient to determine the role of this variant in disease. Therefore, it has been classified as a Variant of Uncertain Significance.

NM_013444.4(UBQLN2):c.180G>T (p.Ala60=)

Gene: UBQLN2 (ubiquilin 2; plus strand). Cytogenetic location: Xp11.21.
Variant type: single nucleotide variant.
Coding change: c.180G>T on transcript NM_013444.4 (MANE Select); coding-DNA position 180, G replaced by T.
Protein change: p.Ala60=; no amino-acid change (alanine 60 retained).
Molecular consequence: synonymous variant.
Genome position (GRCh38, 1-based): chrX:56,564,053, G>T. VCF-style: chrX-56564053-G-T. GRCh37 (hg19) VCF-style: chrX-56590486-G-T.
Identifiers: ClinVar variation 2698191 (VCV002698191.3), dbSNP rs2519961681, ClinGen allele CA516700645.